The following is an entry in ClinVar:

ClinVar aggregate classification (germline): Benign. Review status: criteria provided, multiple submitters, no conflicts (2 of 4 stars). 5 submissions from 5 submitters: Benign (5). Last evaluated 2026-01-21.

Allele frequency attached by ClinVar (database versions not stated): 1000 Genomes Project 30x 0.55325; 1000 Genomes Project 0.55970; TOPMed 0.62000; gnomAD 0.63546 and 0.63903; ESP Exome Variant Server 0.64678; ExAC 0.69491; gnomAD exomes 0.69579 and 0.75845.

Submissions (5):

Women's Health and Genetics/Laboratory Corporation of America, LabCorp
Classification: Benign. Last evaluated: 2026-01-21. Review status: criteria provided, single submitter. Criteria: LabCorp Variant Classification Summary - May 2015. Collection method: clinical testing. Allele origin: germline.

Unidad de Genómica Garrahan, Hospital de Pediatría Garrahan
Classification: Benign. Last evaluated: 2024-01-24. Review status: criteria provided, single submitter. Criteria: ACMG Guidelines, 2015. Collection method: clinical testing. Allele origin: germline. Affected: no. Observed: 76 variant alleles.
Comment: This variant is classified as Benign based on local population frequency. This variant was detected in 80% of patients studied by a panel of primary immunodeficiencies. Number of patients: 76. Only high quality variants are reported.

Mayo Clinic Laboratories, Mayo Clinic
Classification: Benign. Last evaluated: 2023-08-15. Review status: criteria provided, single submitter. Criteria: ACMG Guidelines, 2015. Collection method: clinical testing. Allele origin: germline. Observed: 32 variant alleles.
Comment: BA1, BS2, BP4_strong

GeneDx
Classification: Benign. Last evaluated: 2021-06-09. Review status: criteria provided, single submitter. Criteria: GeneDx Variant Classification Process June 2021. Collection method: clinical testing. Allele origin: germline. Affected: yes.
Comment: This variant is associated with the following publications: (PMID: 22864923)

Breakthrough Genomics
Classification: Benign. Review status: criteria provided, single submitter. Criteria: ACMG Guidelines, 2015. Collection method: not provided. Allele origin: germline. Inheritance: Unknown mechanism. Affected: yes.

Literature cited by the submitters: PubMed 33191716 (cited by Mayo Clinic Laboratories, Mayo Clinic).

NM_003808.4(TNFSF13):c.287A>G (p.Asn96Ser)

Genes: TNFSF12-TNFSF13 (TNFSF12-TNFSF13 readthrough; plus strand), TNFSF13 (TNF superfamily member 13; plus strand). Cytogenetic location: 17p13.1.
Variant type: single nucleotide variant.
Coding change: c.287A>G on transcript NM_003808.4 (MANE Select); coding-DNA position 287, A replaced by G.
Protein change: p.Asn96Ser; replaces asparagine 96 with serine.
Molecular consequence: missense variant. On other transcripts: intron variant (3).
Genome position (GRCh38, 1-based): chr17:7,559,652, A>G. VCF-style: chr17-7559652-A-G. GRCh37 (hg19) VCF-style: chr17-7462969-A-G.
Other names: p.Asn96Ser; c.527A>G, p.Asn176Ser (NM_172089.4); c.287A>G, p.Asn96Ser (NM_172087.3, NM_172088.4); c.208-199A>G (NM_001198624.2); c.259-196A>G (NM_001198622.2); c.259-199A>G (NM_001198623.2); short protein forms N176S, N96S.
Identifiers: ClinVar variation 1270041 (VCV001270041.6), dbSNP rs3803800, ClinGen allele CA8350999.